The following is an entry in ClinVar:

ClinVar aggregate classification (germline): Uncertain significance (1 of 4 stars; one submission).

Conditions:
Catecholaminergic polymorphic ventricular tachycardia 1. Also called: VENTRICULAR TACHYCARDIA, STRESS-INDUCED POLYMORPHIC 1; VENTRICULAR TACHYCARDIA, CATECHOLAMINERGIC POLYMORPHIC, 1, WITH OR WITHOUT ATRIAL DYSFUNCTION AND/OR DILATED CARDIOMYOPATHY; RYR2-Related Catecholaminergic Polymorphic Ventricular Tachycardia. Identifiers: Orphanet 3286, MedGen C1631597, MONDO:0011484, OMIM 604772.

gnomAD v4.1: 1 of 1,613,646 alleles (0.000062%); highest among the groups gnomAD compares: African/African-American, 0.0013%; no homozygotes.

Submission:

Labcorp Genetics (formerly Invitae), Labcorp
Classification: Uncertain significance for Catecholaminergic polymorphic ventricular tachycardia 1. Last evaluated: 2024-04-13. Review status: criteria provided, single submitter. Criteria: Invitae Variant Classification Sherloc (09022015). Collection method: clinical testing. Allele origin: germline.
Comment: This sequence change replaces methionine, which is neutral and non-polar, with threonine, which is neutral and polar, at codon 2384 of the RYR2 protein (p.Met2384Thr). This variant is not present in population databases (gnomAD no frequency). This variant has not been reported in the literature in individuals affected with RYR2-related conditions. Algorithms developed to predict the effect of missense changes on protein structure and function output the following: SIFT: "Not Available"; PolyPhen-2: "Possibly Damaging"; Align-GVGD: "Not Available". The threonine amino acid residue is found in multiple mammalian species, which suggests that this missense change does not adversely affect protein function. In summary, the available evidence is currently insufficient to determine the role of this variant in disease. Therefore, it has been classified as a Variant of Uncertain Significance.

NM_001035.3(RYR2):c.7151T>C (p.Met2384Thr)

Gene: RYR2 (ryanodine receptor 2; plus strand). Cytogenetic location: 1q43.
Variant type: single nucleotide variant.
Coding change: c.7151T>C on transcript NM_001035.3 (MANE Select); coding-DNA position 7151, T replaced by C.
Protein change: p.Met2384Thr; replaces methionine 2384 with threonine.
Molecular consequence: missense variant.
Genome position (GRCh38, 1-based): chr1:237,640,932, T>C. VCF-style: chr1-237640932-T-C. GRCh37 (hg19) VCF-style: chr1-237804232-T-C.
Other names: short protein forms M2384T.
Identifiers: ClinVar variation 3719116 (VCV003719116.1).